The following is an entry in ClinVar:

NM_001243177.4(ALDOA):c.367C>T (p.Arg123Cys)

Genes: ALDOA (aldolase, fructose-bisphosphate A; plus strand), LOC112694756 (uncharaterized LOC112694756; plus strand). Cytogenetic location: 16p11.2.
Variant type: single nucleotide variant.
Coding change: c.367C>T on transcript NM_001243177.4 (MANE Select); coding-DNA position 367, C replaced by T.
Protein change: p.Arg123Cys; replaces arginine 123 with cysteine.
Molecular consequence: missense variant. On other transcripts: 3 prime UTR variant (3).
Genome position (GRCh38, 1-based): chr16:30,067,542, C>T. VCF-style: chr16-30067542-C-T. GRCh37 (hg19) VCF-style: chr16-30078863-C-T.
Other names: NM_000034.3:c.205C>T; p.Arg69Cys; c.*714C>T (NM_001365304.2, NM_001365305.2, NM_001365307.2); c.205C>T, p.Arg69Cys (NM_001127617.2, NM_184041.5, NM_184043.2); short protein forms R123C, R69C.
Identifiers: ClinVar variation 3380381 (VCV003380381.1).

ClinVar aggregate classification (germline): Uncertain significance (1 of 4 stars; one submission).

gnomAD v4.1: 14 of 1,613,734 alleles (0.00087%); highest among the groups gnomAD compares: South Asian, 0.0044%; no homozygotes.

Submission:

Mayo Clinic Laboratories, Mayo Clinic
Classification: Uncertain significance. Last evaluated: 2023-08-30. Review status: criteria provided, single submitter. Criteria: ACMG Guidelines, 2015. Collection method: clinical testing. Allele origin: germline. Observed: 1 variant allele.
Comment: PM2_moderate